The following is an entry in ClinVar:

ClinVar aggregate classification (germline): Uncertain significance (1 of 4 stars; one submission).

Conditions:
Severe combined immunodeficiency due to DNA-PKcs deficiency. Also called: IMMUNODEFICIENCY 26 WITH NEUROLOGIC ABNORMALITIES; Immunodeficiency 26 with or without neurologic abnormalities. Identifiers: Orphanet 317425, MedGen C4014833, MONDO:0014423, OMIM 615966.

gnomAD v4.1: 17 of 1,601,026 alleles (0.0011%); highest among the groups gnomAD compares: Non-Finnish European, 0.0014%; no homozygotes.

Submission:

Labcorp Genetics (formerly Invitae), Labcorp
Classification: Uncertain significance for Severe combined immunodeficiency due to DNA-PKcs deficiency. Last evaluated: 2026-01-18. Review status: criteria provided, single submitter. Criteria: Invitae Variant Classification Sherloc (09022015). Collection method: clinical testing. Allele origin: germline.
Comment: This sequence change replaces valine, which is neutral and non-polar, with glycine, which is neutral and non-polar, at codon 3852 of the PRKDC protein (p.Val3852Gly). This variant is present in population databases (rs570140547, gnomAD 0.007%). This variant has not been reported in the literature in individuals affected with PRKDC-related conditions. Invitae Evidence Modeling of protein sequence and biophysical properties (such as structural, functional, and spatial information, amino acid conservation, physicochemical variation, residue mobility, and thermodynamic stability) indicates that this missense variant is not expected to disrupt PRKDC protein function with a negative predictive value of 80%. In summary, the available evidence is currently insufficient to determine the role of this variant in disease. Therefore, it has been classified as a Variant of Uncertain Significance.

NM_006904.7(PRKDC):c.11555T>G (p.Val3852Gly)

Gene: PRKDC (protein kinase, DNA-activated, catalytic subunit; minus strand). Cytogenetic location: 8q11.21.
Variant type: single nucleotide variant.
Coding change: c.11555T>G on transcript NM_006904.7 (MANE Select); coding-DNA position 11555, T replaced by G.
Protein change: p.Val3852Gly; replaces valine 3852 with glycine.
Molecular consequence: missense variant.
Genome position (GRCh38, 1-based): chr8:47,779,028, A>C on the plus strand (T>G on the coding strand, the complement: PRKDC is on the minus strand). VCF-style: chr8-47779028-A-C. GRCh37 (hg19) VCF-style: chr8-48691589-A-C.
Other names: c.11462T>G, p.Val3821Gly (NM_001081640.2); short protein forms V3852G, V3821G.
Identifiers: ClinVar variation 4741625 (VCV004741625.1).